The following is an entry in ClinVar:

NM_001077620.3(PRCD):c.67G>C (p.Val23Leu)

Genes: CYGB (cytoglobin; minus strand), PRCD (photoreceptor disc component; plus strand). Cytogenetic location: 17q25.1.
Variant type: single nucleotide variant.
Coding change: c.67G>C on transcript NM_001077620.3 (MANE Select); coding-DNA position 67, G replaced by C.
Protein change: p.Val23Leu; replaces valine 23 with leucine.
Molecular consequence: missense variant.
Genome position (GRCh38, 1-based): chr17:76,540,208, G>C. VCF-style: chr17-76540208-G-C. GRCh37 (hg19) VCF-style: chr17-74536290-G-C.
Other names: short protein forms V23L.
Identifiers: ClinVar variation 2050295 (VCV002050295.4), dbSNP rs1194786605, ClinGen allele CA401181014.

ClinVar aggregate classification (germline): Uncertain significance (1 of 4 stars; one submission).

Submission:

Labcorp Genetics (formerly Invitae), Labcorp
Classification: Uncertain significance. Last evaluated: 2021-12-20. Review status: criteria provided, single submitter. Criteria: Invitae Variant Classification Sherloc (09022015). Collection method: clinical testing. Allele origin: germline.
Comment: Algorithms developed to predict the effect of missense changes on protein structure and function are either unavailable or do not agree on the potential impact of this missense change (SIFT: "Deleterious"; PolyPhen-2: "Benign"; Align-GVGD: "Class C25"). This sequence change replaces valine, which is neutral and non-polar, with leucine, which is neutral and non-polar, at codon 23 of the PRCD protein (p.Val23Leu). This variant is not present in population databases (gnomAD no frequency). This variant has not been reported in the literature in individuals affected with PRCD-related conditions. In summary, the available evidence is currently insufficient to determine the role of this variant in disease. Therefore, it has been classified as a Variant of Uncertain Significance.